The following is an entry in ClinVar:

NM_014714.4(IFT140):c.1869_1870dup (p.Thr624fs)

Gene: IFT140 (intraflagellar transport 140; minus strand). Cytogenetic location: 16p13.3.
Variant type: Microsatellite.
Coding change: c.1869_1870dup on transcript NM_014714.4 (MANE Select); coding-DNA positions 1869 to 1870, 2 bases duplicated (GA; older notation c.1869_1870dupGA).
Protein change: p.Thr624fs; shifts the reading frame from threonine 624.
Molecular consequence: frameshift variant.
Genome position (GRCh38, 1-based): chr16:1,566,192-1,566,193, TC duplicated on the plus strand (GA on the coding strand, the reverse complement: IFT140 is on the minus strand); duplicating any 2 consecutive bases within chr16:1,566,192-1,566,199 gives the same sequence; the c. name uses the placement nearest the transcript's 3' end. VCF-style (leftmost placement, unchanged base first): chr16-1566191-G-GTC. GRCh37 (hg19) VCF-style: chr16-1616192-G-GTC.
Other names: short protein forms T624fs.
Identifiers: ClinVar variation 3655783 (VCV003655783.2).
Genomic context (GRCh38, chr16:1,566,191, plus strand): 5'-CAACAAAATCCTCCTGAACCACAATCTTACTTATTAGTCTCTTGCTCATTAAAGGACAGC[G>GTC]TCTCTCTCCGATCAATTTGTCCAGTCTTGAAGTCAAAGACGGTCACTGTGTCCATTTCAA-3'

ClinVar aggregate classification (germline): Pathogenic (1 of 4 stars; one submission).

Conditions:
Saldino-Mainzer syndrome (SRTD9). Also called: CONORENAL SYNDROME; Renal dysplasia, retinal pigmentary dystrophy, cerebellar ataxia and skeletal dysplasia; SHORT-RIB THORACIC DYSPLASIA 9 WITHOUT POLYDACTYLY; short-rib thoracic dysplasia 9 with or without polydactyly. Identifiers: Orphanet 140969, MedGen C1849437, MONDO:0009964, OMIM 266920.

Submission:

Labcorp Genetics (formerly Invitae), Labcorp
Classification: Pathogenic for Saldino-Mainzer syndrome. Last evaluated: 2025-04-16. Review status: criteria provided, single submitter. Criteria: Invitae Variant Classification Sherloc (09022015). Collection method: clinical testing. Allele origin: germline.
Comment: This sequence change creates a premature translational stop signal (p.Thr624Argfs*21) in the IFT140 gene. It is expected to result in an absent or disrupted protein product. Loss-of-function variants in IFT140 are known to be pathogenic (PMID: 22503633, 23418020, 24009529, 26216056). This variant is not present in population databases (gnomAD no frequency). This variant has not been reported in the literature in individuals affected with IFT140-related conditions. For these reasons, this variant has been classified as Pathogenic.

Literature cited by the submitters: PubMed 22503633; PubMed 23418020; PubMed 24009529; PubMed 26216056.